The following is an entry in ClinVar:

ClinVar aggregate classification (germline): Uncertain significance (1 of 4 stars; one submission).

Allele frequency attached by ClinVar (database versions not stated): ExAC 0.00001; gnomAD 0.00001; TOPMed 0.00001.
gnomAD v4.1: 12 of 1,613,618 alleles (0.00074%); highest among the groups gnomAD compares: Non-Finnish European, 0.00085%; no homozygotes.

Submission:

Labcorp Genetics (formerly Invitae), Labcorp
Classification: Uncertain significance. Last evaluated: 2023-09-22. Review status: criteria provided, single submitter. Criteria: Invitae Variant Classification Sherloc (09022015). Collection method: clinical testing. Allele origin: germline.
Comment: In summary, the available evidence is currently insufficient to determine the role of this variant in disease. Therefore, it has been classified as a Variant of Uncertain Significance. An algorithm developed to predict the effect of missense changes on protein structure and function (PolyPhen-2) suggests that this variant is likely to be disruptive. ClinVar contains an entry for this variant (Variation ID: 2112393). This variant has not been reported in the literature in individuals affected with LTBP2-related conditions. This variant is present in population databases (rs759896182, gnomAD 0.0009%). This sequence change replaces glutamic acid, which is acidic and polar, with glycine, which is neutral and non-polar, at codon 1013 of the LTBP2 protein (p.Glu1013Gly).

NM_000428.3(LTBP2):c.3038A>G (p.Glu1013Gly)

Gene: LTBP2 (latent transforming growth factor beta binding protein 2; minus strand). Cytogenetic location: 14q24.3.
Variant type: single nucleotide variant.
Coding change: c.3038A>G on transcript NM_000428.3 (MANE Select); coding-DNA position 3038, A replaced by G.
Protein change: p.Glu1013Gly; replaces glutamic acid 1013 with glycine.
Molecular consequence: missense variant.
Genome position (GRCh38, 1-based): chr14:74,510,204, T>C on the plus strand (A>G on the coding strand, the complement: LTBP2 is on the minus strand). VCF-style: chr14-74510204-T-C. GRCh37 (hg19) VCF-style: chr14-74976907-T-C.
Other names: short protein forms E1013G.
Identifiers: ClinVar variation 2112393 (VCV002112393.4), dbSNP rs759896182, ClinGen allele CA7269308.